The following is an entry in ClinVar:

NM_032776.3(JMJD1C):c.3818C>T (p.Thr1273Met)

Gene: JMJD1C (jumonji domain containing 1C; minus strand). Cytogenetic location: 10q21.3.
Variant type: single nucleotide variant.
Coding change: c.3818C>T on transcript NM_032776.3 (MANE Select); coding-DNA position 3818, C replaced by T.
Protein change: p.Thr1273Met; replaces threonine 1273 with methionine.
Molecular consequence: missense variant. On other transcripts: non-coding transcript variant (1).
Genome position (GRCh38, 1-based): chr10:63,207,851, G>A on the plus strand (C>T on the coding strand, the complement: JMJD1C is on the minus strand). VCF-style: chr10-63207851-G-A. GRCh37 (hg19) VCF-style: chr10-64967611-G-A.
Other names: c.3818C>T (NM_032776.1); c.3272C>T, p.Thr1091Met (NM_001282948.2, NM_001318154.2); c.2954C>T, p.Thr985Met (NM_001318153.2); c.3704C>T, p.Thr1235Met (NM_001322252.2); c.3161C>T, p.Thr1054Met (NM_001322254.2, NM_001322258.2); short protein forms T1054M, T1235M, T985M, T1273M, T1091M.
Identifiers: ClinVar variation 966352 (VCV000966352.10), dbSNP rs375835104, ClinGen allele CA5518375.

ClinVar aggregate classification (germline): Conflicting classifications of pathogenicity. Review status: criteria provided, conflicting classifications (1 of 4 stars). 3 submissions from 3 submitters: Uncertain significance (2); Likely benign (1). Last evaluated 2025-08-13.

Conditions:
Early Myoclonic Encephalopathy. Identifiers: MedGen C0270855.

Allele frequency attached by ClinVar (database versions not stated): gnomAD 0.00002 and 0.00001; TOPMed 0.00005; gnomAD exomes 0.00006 and 0.00003; ExAC 0.00001; ESP Exome Variant Server 0.00008.
gnomAD v4.1: 90 of 1,613,946 alleles (0.0056%); highest among the groups gnomAD compares: East Asian, 0.011%; no homozygotes.

Submissions (3):

Labcorp Genetics (formerly Invitae), Labcorp
Classification: Uncertain significance for Early Myoclonic Encephalopathy. Last evaluated: 2025-08-13. Review status: criteria provided, single submitter. Criteria: Invitae Variant Classification Sherloc (09022015). Collection method: clinical testing. Allele origin: germline.
Comment: This sequence change replaces threonine, which is neutral and polar, with methionine, which is neutral and non-polar, at codon 1273 of the JMJD1C protein (p.Thr1273Met). This variant is present in population databases (rs375835104, gnomAD 0.02%). This variant has not been reported in the literature in individuals affected with JMJD1C-related conditions. ClinVar contains an entry for this variant (Variation ID: 966352). Invitae Evidence Modeling of protein sequence and biophysical properties (such as structural, functional, and spatial information, amino acid conservation, physicochemical variation, residue mobility, and thermodynamic stability) indicates that this missense variant is not expected to disrupt JMJD1C protein function with a negative predictive value of 80%. In summary, the available evidence is currently insufficient to determine the role of this variant in disease. Therefore, it has been classified as a Variant of Uncertain Significance.

Laboratory of Genetics, Children's Clinical University Hospital Latvia
Classification: Likely benign. Last evaluated: 2025-02-16. Review status: criteria provided, single submitter. Criteria: ACMG Guidelines, 2015. Collection method: clinical testing. Allele origin: germline. Affected: yes.

Ambry Genetics
Classification: Uncertain significance. Last evaluated: 2021-10-22. Review status: criteria provided, single submitter. Criteria: Ambry Variant Classification Scheme 2023. Collection method: clinical testing. Allele origin: germline.